The following is an entry in ClinVar:

ClinVar aggregate classification (germline): Conflicting classifications of pathogenicity. Review status: criteria provided, conflicting classifications (1 of 4 stars). 5 submissions from 5 submitters: Uncertain significance (4); Likely benign (1). Last evaluated 2025-04-17.

Conditions:
Bethlem myopathy 1A. Also called: Bethlem myopathy 1; Bethlem Muscular Dystrophy; MYOPATHY, BENIGN CONGENITAL, WITH CONTRACTURES. Identifiers: Orphanet 610, MedGen CN029274, MONDO:0024530, OMIM 158810.

Allele frequency attached by ClinVar (database versions not stated): gnomAD 0.00004 and 0.00005; gnomAD exomes 0.00004; ExAC 0.00005; TOPMed 0.00006.
gnomAD v4.1: 111 of 1,614,110 alleles (0.0069%); highest among the groups gnomAD compares: Middle Eastern, 0.016%; no homozygotes.

Submissions (5):

Labcorp Genetics (formerly Invitae), Labcorp
Classification: Likely benign for Bethlem myopathy 1A. Last evaluated: 2025-04-17. Review status: criteria provided, single submitter. Criteria: Invitae Variant Classification Sherloc (09022015). Collection method: clinical testing. Allele origin: germline.

CeGaT Center for Human Genetics Tuebingen
Classification: Uncertain significance. Last evaluated: 2022-11-01. Review status: criteria provided, single submitter. Criteria: CeGaT Center For Human Genetics Tuebingen Variant Classification Criteria Version 2. Collection method: clinical testing. Allele origin: germline. Affected: yes. Observed: 1 variant allele.
Comment: COL6A3: PM2

GeneDx
Classification: Uncertain significance. Last evaluated: 2022-10-20. Review status: criteria provided, single submitter. Criteria: GeneDx Variant Classification Process June 2021. Collection method: clinical testing. Allele origin: germline. Affected: yes.
Comment: In silico analysis supports that this missense variant has a deleterious effect on protein structure/function; Has not been previously published as pathogenic or benign to our knowledge; This variant is associated with the following publications: (PMID: 30564623)

Baylor Genetics
Classification: Uncertain significance for Bethlem myopathy 1A. Last evaluated: 2019-02-01. Review status: criteria provided, single submitter. Criteria: ACMG Guidelines, 2015. Collection method: clinical testing. Allele origin: unknown. Affected: yes.
Comment: This variant was determined to be of uncertain significance according to ACMG Guidelines, 2015 [PMID:25741868].

Eurofins Ntd Llc (ga)
Classification: Uncertain significance. Last evaluated: 2017-11-06. Review status: criteria provided, single submitter. Criteria: EGL Classification Definitions 2015. Collection method: clinical testing. Allele origin: germline. Observed: 3 variant alleles, 3 heterozygotes.

NM_004369.4(COL6A3):c.2303G>A (p.Arg768His)

Gene: COL6A3 (collagen type VI alpha 3 chain; minus strand). Cytogenetic location: 2q37.3.
Variant type: single nucleotide variant.
Coding change: c.2303G>A on transcript NM_004369.4 (MANE Select); coding-DNA position 2303, G replaced by A.
Protein change: p.Arg768His; replaces arginine 768 with histidine.
Molecular consequence: missense variant. On other transcripts: intron variant (1).
Genome position (GRCh38, 1-based): chr2:237,378,830, C>T on the plus strand (G>A on the coding strand, the complement: COL6A3 is on the minus strand). VCF-style: chr2-237378830-C-T. GRCh37 (hg19) VCF-style: chr2-238287473-C-T.
Other names: c.1082G>A, p.Arg361His (NM_057164.5); c.1685G>A, p.Arg562His (NM_057165.5, NM_057167.4); c.677-1486G>A (NM_057166.5); short protein forms R768H, R361H, R562H.
Identifiers: ClinVar variation 290167 (VCV000290167.39), dbSNP rs575412915, ClinGen allele CA2189433.
Genomic context (GRCh38, chr2:237,378,830, plus strand): 5'-TGCTCAAGCTCTGCCTTATTCGCCTGGCTAGCTCCCACACAAAAAGTCAGGATGCCCGCG[C>T]GTGTCAAGGCGTTGGCAGCTTGCAAATAGGAGTCCTCAGACTGCCCAGCTGTGAGCAGAA-3'
Protein context (NP_004360.2, residues 758-778): SYLQAANALT[Arg768His]AGILTFCVGA